The following is an entry in ClinVar:

ClinVar aggregate classification (germline): Conflicting classifications of pathogenicity. Review status: criteria provided, conflicting classifications (1 of 4 stars). 3 submissions from 3 submitters: Uncertain significance (1); Likely benign (1). 1 of the submissions does not count toward it. Last evaluated 2026-05-29.

Conditions:
Hereditary cancer-predisposing syndrome. Also called: Tumor predisposition; Neoplastic Syndromes, Hereditary; Hereditary Cancer Syndrome; Hereditary neoplastic syndrome. Identifiers: Orphanet 140162, MedGen C0027672, MeSH D009386, MONDO:0015356.
Breast-ovarian cancer, familial, susceptibility to, 1 (BROVCA1). Also called: OVARIAN CANCER, SUSCEPTIBILITY TO; BRCA1 Hereditary Breast and Ovarian Cancer. Identifiers: Orphanet 145, MedGen C2676676, MONDO:0011450, OMIM 604370. Disease mechanism: loss of function.

Allele frequency attached by ClinVar (database versions not stated): gnomAD exomes below 0.00001.
gnomAD v4.1: 1 of 1,613,898 alleles (0.000062%); highest among the groups gnomAD compares: Non-Finnish European, 0.000085%; no homozygotes.

Submissions (3):

Ambry Genetics
Classification: Uncertain significance for Hereditary cancer-predisposing syndrome. Last evaluated: 2026-05-29. Review status: criteria provided, single submitter. Criteria: Ambry Variant Classification Scheme 2023. Collection method: clinical testing. Allele origin: germline.
Comment: The p.E879K variant (also known as c.2635G>A), located in coding exon 9 of the BRCA1 gene, results from a G to A substitution at nucleotide position 2635. The glutamic acid at codon 879 is replaced by lysine, an amino acid with similar properties. This amino acid position is well conserved in available vertebrate species. In addition, the in silico prediction for this alteration is inconclusive. Based on the available evidence, the clinical significance of this variant remains unclear.

University of Washington Department of Laboratory Medicine, University of Washington
Classification: Likely benign for Hereditary cancer-predisposing syndrome. Last evaluated: 2023-03-23. Review status: criteria provided, single submitter. Criteria: Dines et al. (Genet Med. 2020). Collection method: curation. Allele origin: germline.
Comment: Missense variant in a coldspot region where missense variants are very unlikely to be pathogenic (PMID:31911673).

BRCA1 coldspot (exon 11 using historical exon numbering). Reclassification based on statistical prior probability

Breast Cancer Information Core (BIC) (BRCA1)
Classification: Uncertain significance for Breast-ovarian cancer, familial 1. Last evaluated: 2006-07-19. Review status: no assertion criteria provided. Collection method: clinical testing. Allele origin: germline. Affected: yes. Observed: 1 variant allele. Not counted in ClinVar's aggregate classification.

NM_007294.4(BRCA1):c.2635G>A (p.Glu879Lys)

Gene: BRCA1 (BRCA1 DNA repair associated; minus strand). Cytogenetic location: 17q21.31.
Variant type: single nucleotide variant.
Coding change: c.2635G>A on transcript NM_007294.4 (MANE Select); coding-DNA position 2635, G replaced by A.
Protein change: p.Glu879Lys; replaces glutamic acid 879 with lysine.
Molecular consequence: missense variant. On other transcripts: intron variant (137).
Genome position (GRCh38, 1-based): chr17:43,092,896, C>T on the plus strand (G>A on the coding strand, the complement: BRCA1 is on the minus strand). VCF-style: chr17-43092896-C-T. GRCh37 (hg19) VCF-style: chr17-41244913-C-T.
Other names: c.2422G>A, p.Glu808Lys (NM_001407571.1, NM_001407853.1, NM_001407894.1 and 9 more transcripts); c.2635G>A, p.Glu879Lys (NM_001407581.1, NM_001407582.1, NM_001407583.1 and 30 more transcripts); c.2632G>A, p.Glu878Lys (NM_001407587.1, NM_001407590.1, NM_001407591.1 and 22 more transcripts); c.2626G>A, p.Glu876Lys (NM_001407646.1, NM_001407647.1); c.2512G>A, p.Glu838Lys (NM_001407648.1, NM_001407664.1, NM_001407665.1 and 19 more transcripts); c.2509G>A, p.Glu837Lys (NM_001407649.1, NM_001407670.1, NM_001407671.1 and 11 more transcripts); c.2557G>A, p.Glu853Lys (NM_001407653.1, NM_001407654.1, NM_001407655.1 and 4 more transcripts); c.2554G>A, p.Glu852Lys (NM_001407659.1, NM_001407660.1, NM_001407661.1 and 1 more transcripts); and 41 more; short protein forms E879K, E832K, E711K, E876K, E752K, E768K, E790K, E791K.
Identifiers: ClinVar variation 54624 (VCV000054624.6), dbSNP rs80357251, ClinGen allele CA001728.